The following is an entry in ClinVar:

NM_001267550.2(TTN):c.68825-8C>G

Genes: TTN (titin; minus strand), TTN-AS1 (TTN antisense RNA 1; plus strand). Cytogenetic location: 2q31.2.
Variant type: single nucleotide variant.
Coding change: c.68825-8C>G on transcript NM_001267550.2 (MANE Select); 8 bases into the intron before coding-DNA position 68825, C replaced by G.
Molecular consequence: intron variant.
Genome position (GRCh38, 1-based): chr2:178,577,518, G>C on the plus strand (C>G on the coding strand, the complement: TTN is on the minus strand). VCF-style: chr2-178577518-G-C. GRCh37 (hg19) VCF-style: chr2-179442245-G-C.
Other names: c.41630-8C>G (NM_003319.4); c.42206-8C>G (NM_133437.4); c.42005-8C>G (NM_133432.3); c.61121-8C>G (NM_133378.4); c.63902-8C>G (NM_001256850.1).
Identifiers: ClinVar variation 668156 (VCV000668156.7), dbSNP rs934241905, ClinGen allele CA61004930.

ClinVar aggregate classification (germline): Conflicting classifications of pathogenicity. Review status: criteria provided, conflicting classifications (1 of 4 stars). 3 submissions from 3 submitters: Uncertain significance (1); Likely benign (2). Last evaluated 2025-10-19.

Conditions:
Dilated cardiomyopathy 1G (CMD1G). Identifiers: Orphanet 154, MedGen C1858763, MONDO:0011400, OMIM 604145.
Autosomal recessive limb-girdle muscular dystrophy type 2J (LGMDR10). Also called: Limb-girdle muscular dystrophy, type 2J; MUSCULAR DYSTROPHY, LIMB-GIRDLE, AUTOSOMAL RECESSIVE 10. Identifiers: Orphanet 140922, MedGen C1837342, MONDO:0012127, OMIM 608807.

Allele frequency attached by ClinVar (database versions not stated): gnomAD exomes below 0.00001; gnomAD 0.00001; TOPMed 0.00001.

Submissions (3):

Labcorp Genetics (formerly Invitae), Labcorp
Classification: Likely benign for Dilated cardiomyopathy 1G; Autosomal recessive limb-girdle muscular dystrophy type 2J. Last evaluated: 2025-10-19. Review status: criteria provided, single submitter. Criteria: Invitae Variant Classification Sherloc (09022015). Collection method: clinical testing. Allele origin: germline.

Blueprint Genetics
Classification: Uncertain significance. Last evaluated: 2021-12-17. Review status: criteria provided, single submitter. Criteria: ACMG Guidelines, 2015. Collection method: clinical testing. Allele origin: germline.

GeneDx
Classification: Likely benign. Last evaluated: 2018-05-02. Review status: criteria provided, single submitter. Criteria: GeneDx Variant Classification (06012015). Collection method: clinical testing. Allele origin: germline. Affected: yes.
Comment: This variant is considered likely benign or benign based on one or more of the following criteria: it is a conservative change, it occurs at a poorly conserved position in the protein, it is predicted to be benign by multiple in silico algorithms, and/or has population frequency not consistent with disease.